The following is an entry in ClinVar:

NM_016169.4(SUFU):c.585T>G (p.Val195=)

Gene: SUFU (SUFU negative regulator of hedgehog signaling; plus strand). Cytogenetic location: 10q24.32.
Variant type: single nucleotide variant.
Coding change: c.585T>G on transcript NM_016169.4 (MANE Select); coding-DNA position 585, T replaced by G.
Protein change: p.Val195=; no amino-acid change (valine 195 retained).
Molecular consequence: synonymous variant.
Genome position (GRCh38, 1-based): chr10:102,592,712, T>G. VCF-style: chr10-102592712-T-G. GRCh37 (hg19) VCF-style: chr10-104352469-T-G.
Other names: c.585T>G, p.Val195= (NM_001178133.2).
Identifiers: ClinVar variation 4083938 (VCV004083938.9).

ClinVar aggregate classification (germline): Likely benign. Review status: criteria provided, multiple submitters, no conflicts (2 of 4 stars). 2 submissions from 2 submitters: Likely benign (2). Last evaluated 2025-08-30.

Conditions:
Hereditary cancer-predisposing syndrome. Also called: Neoplastic Syndromes, Hereditary; Tumor predisposition; Hereditary Cancer Syndrome; Hereditary neoplastic syndrome. Identifiers: Orphanet 140162, MedGen C0027672, MeSH D009386, MONDO:0015356.

Submissions (2):

Ambry Genetics
Classification: Likely benign for Hereditary cancer-predisposing syndrome. Last evaluated: 2025-08-30. Review status: criteria provided, single submitter. Criteria: Ambry Variant Classification Scheme 2023. Collection method: clinical testing. Allele origin: germline.

CeGaT Center for Human Genetics Tuebingen
Classification: Likely benign. Last evaluated: 2025-08-01. Review status: criteria provided, single submitter. Criteria: CeGaT Center For Human Genetics Tuebingen Variant Classification Criteria Version 2. Collection method: clinical testing. Allele origin: germline. Affected: yes. Observed: 1 variant allele.
Comment: SUFU: PM2:Supporting, BP4, BP7